The following is an entry in ClinVar:

ClinVar aggregate classification (germline): Likely pathogenic (1 of 4 stars; one submission).

Conditions:
Retinitis pigmentosa 25 (RP25). Identifiers: Orphanet 791, MedGen C1864446, MONDO:0011272, OMIM 602772.

Submission:

Natera, Inc.
Classification: Likely pathogenic for Retinitis pigmentosa type 25. Last evaluated: 2025-01-03. Review status: criteria provided, single submitter. Criteria: Natera Variant Classification Schema (03/2026). Collection method: clinical testing. Allele origin: germline.
Comment: The c.8777del variant in EYS is a frameshift variant predicted to shift the reading frame beginning at codon 2926 and leads to a stop codon 49 codons downstream. This variant is expected to result in nonsense mediated decay, truncation, or a dysfunctional protein product. This variant is rare in the general population with a frequency below the threshold expected for the associated phenotype(s). Given the available evidence, this variant is classified as Likely Pathogenic.

NM_001142800.2(EYS):c.8777del (p.Leu2926fs)

Genes: EYS (EGF-like photoreceptor maintenance factor; minus strand), PHF3 (PHD finger protein 3; plus strand). Cytogenetic location: 6q12.
Variant type: Deletion.
Coding change: c.8777del on transcript NM_001142800.2 (MANE Select); coding-DNA position 8777, one base deleted (T; older notation c.8777delT).
Protein change: p.Leu2926fs; shifts the reading frame from leucine 2926.
Molecular consequence: frameshift variant. On other transcripts: 3 prime UTR variant (5).
Genome position (GRCh38, 1-based): chr6:63,721,254, A deleted on the plus strand (T on the coding strand, the reverse complement: EYS is on the minus strand); the first of 3 consecutive A bases (chr6:63,721,254-63,721,256); deleting any one gives the same sequence. VCF-style (leftmost placement, unchanged base first): chr6-63721253-TA-T. GRCh37 (hg19) VCF-style: chr6-64431149-TA-T.
Other names: c.*7548del (NM_001290259.2, NM_001370348.2, NM_001370349.2 and 2 more transcripts); c.8840del, p.Leu2947fs (NM_001292009.2); short protein forms L2926fs, L2947fs.
Identifiers: ClinVar variation 4067774 (VCV004067774.2).